The following is an entry in ClinVar:

NM_001085411.3(NADK2):c.1310C>T (p.Thr437Ile)

Gene: NADK2 (NAD kinase 2, mitochondrial; minus strand). Cytogenetic location: 5p13.2.
Variant type: single nucleotide variant.
Coding change: c.1310C>T on transcript NM_001085411.3 (MANE Select); coding-DNA position 1310, C replaced by T.
Protein change: p.Thr437Ile; replaces threonine 437 with isoleucine.
Molecular consequence: missense variant.
Genome position (GRCh38, 1-based): chr5:36,195,163, G>A on the plus strand (C>T on the coding strand, the complement: NADK2 is on the minus strand). VCF-style: chr5-36195163-G-A. GRCh37 (hg19) VCF-style: chr5-36195265-G-A.
Other names: c.821C>T, p.Thr274Ile (NM_001287340.2, NM_153013.5); c.887C>T, p.Thr296Ile (NM_001287341.2); short protein forms T274I, T437I, T296I.
Identifiers: ClinVar variation 1523201 (VCV001523201.6), dbSNP rs1746180873, ClinGen allele CA359449976.

ClinVar aggregate classification (germline): Uncertain significance (1 of 4 stars; one submission).

Conditions:
Progressive encephalopathy with leukodystrophy due to DECR deficiency. Identifiers: Orphanet 431361, MedGen C1857252, MONDO:0014464, OMIM 616034.

Allele frequency attached by ClinVar (database versions not stated): gnomAD exomes below 0.00001; TOPMed 0.00001.
gnomAD v4.1: 2 of 1,612,076 alleles (0.00012%); highest among the groups gnomAD compares: Non-Finnish European, 0.00017%; no homozygotes.

Submission:

Labcorp Genetics (formerly Invitae), Labcorp
Classification: Uncertain significance for Progressive encephalopathy with leukodystrophy due to DECR deficiency. Last evaluated: 2024-10-28. Review status: criteria provided, single submitter. Criteria: Invitae Variant Classification Sherloc (09022015). Collection method: clinical testing. Allele origin: germline.
Comment: This sequence change replaces threonine, which is neutral and polar, with isoleucine, which is neutral and non-polar, at codon 437 of the NADK2 protein (p.Thr437Ile). This variant is not present in population databases (gnomAD no frequency). This variant has not been reported in the literature in individuals affected with NADK2-related conditions. ClinVar contains an entry for this variant (Variation ID: 1523201). Invitae Evidence Modeling of protein sequence and biophysical properties (such as structural, functional, and spatial information, amino acid conservation, physicochemical variation, residue mobility, and thermodynamic stability) indicates that this missense variant is expected to disrupt NADK2 protein function with a positive predictive value of 80%. In summary, the available evidence is currently insufficient to determine the role of this variant in disease. Therefore, it has been classified as a Variant of Uncertain Significance.